The following is an entry in ClinVar:

ClinVar aggregate classification (germline): Uncertain significance (1 of 4 stars; one submission).

Conditions:
Hereditary cancer-predisposing syndrome. Also called: Tumor predisposition; Hereditary neoplastic syndrome; Neoplastic Syndromes, Hereditary; Hereditary Cancer Syndrome. Identifiers: Orphanet 140162, MedGen C0027672, MeSH D009386, MONDO:0015356.

Submission:

Ambry Genetics
Classification: Uncertain significance for Hereditary cancer-predisposing syndrome. Last evaluated: 2025-05-24. Review status: criteria provided, single submitter. Criteria: Ambry Variant Classification Scheme 2023. Collection method: clinical testing. Allele origin: germline.
Comment: The p.S886P variant (also known as c.2656T>C), located in coding exon 17 of the CTNNA1 gene, results from a T to C substitution at nucleotide position 2656. The serine at codon 886 is replaced by proline, an amino acid with similar properties. This amino acid position is conserved. In addition, this alteration is predicted to be deleterious by in silico analysis. Based on the available evidence, the clinical significance of this variant remains unclear.

NM_001903.5(CTNNA1):c.2656T>C (p.Ser886Pro)

Gene: CTNNA1 (catenin alpha 1; plus strand). Cytogenetic location: 5q31.2.
Variant type: single nucleotide variant.
Coding change: c.2656T>C on transcript NM_001903.5 (MANE Select); coding-DNA position 2656, T replaced by C.
Protein change: p.Ser886Pro; replaces serine 886 with proline.
Molecular consequence: missense variant. On other transcripts: 3 prime UTR variant (5).
Genome position (GRCh38, 1-based): chr5:138,934,024, T>C. VCF-style: chr5-138934024-T-C. GRCh37 (hg19) VCF-style: chr5-138269713-T-C.
Other names: c.1546T>C, p.Ser516Pro (NM_001323987.1, NM_001323988.1, NM_001323989.1 and 12 more transcripts); c.*201T>C (NM_001324005.1, NM_001290307.3, NM_001324002.1 and 2 more transcripts); c.1207T>C, p.Ser403Pro (NM_001324006.1, NM_001324007.1, NM_001324008.1 and 2 more transcripts); c.1453T>C, p.Ser485Pro (NM_001324011.1); c.1303T>C, p.Ser435Pro (NM_001324012.1, NM_001324013.1); c.2629T>C, p.Ser877Pro (NM_001323985.2); c.2563T>C, p.Ser855Pro (NM_001323986.2); c.2347T>C, p.Ser783Pro (NM_001290309.3); and 3 more; short protein forms S516P, S763P, S485P, S403P, S783P, S886P, S435P, S471P.
Identifiers: ClinVar variation 4007995 (VCV004007995.1).
Genomic context (GRCh38, chr5:138,934,024, plus strand): 5'-AAAAAGCCATTGGTGAAGAGAGAGAAACAGGATGAGACACAGACCAAGATTAAACGGGCA[T>C]CTCAGAAGAAGCACGTGAACCCGGTGCAGGCCCTCAGCGAGTTCAAAGCTATGGACAGCA-3'
Protein context (NP_001894.2, residues 876-896): DETQTKIKRA[Ser886Pro]QKKHVNPVQA